The following is an entry in ClinVar:

NM_006268.5(DPF2):c.647A>G (p.Lys216Arg)

Gene: DPF2 (double PHD fingers 2; plus strand). Cytogenetic location: 11q13.1.
Variant type: single nucleotide variant.
Coding change: c.647A>G on transcript NM_006268.5 (MANE Select); coding-DNA position 647, A replaced by G.
Protein change: p.Lys216Arg; replaces lysine 216 with arginine.
Molecular consequence: missense variant.
Genome position (GRCh38, 1-based): chr11:65,345,675, A>G. VCF-style: chr11-65345675-A-G. GRCh37 (hg19) VCF-style: chr11-65113146-A-G.
Other names: c.689A>G, p.Lys230Arg (NM_001330308.2); short protein forms K216R, K230R.
Identifiers: ClinVar variation 2771787 (VCV002771787.3), dbSNP rs2495404972, ClinGen allele CA381253382.
Genomic context (GRCh38, chr11:65,345,675, plus strand): 5'-ATGGCACTCTTGTATCCTAACACCTTTCTCTGCAATCTTCTTCCCACTCAGTTTGTGGAA[A>G]ACGTTACAAGAACCGACCAGGCCTCAGTTACCACTATGCCCACTCCCACTTGGCTGAGGA-3'
Protein context (NP_006259.1, residues 206-226): DKPYACDICG[Lys216Arg]RYKNRPGLSY

ClinVar aggregate classification (germline): Uncertain significance (1 of 4 stars; one submission).

Submission:

Labcorp Genetics (formerly Invitae), Labcorp
Classification: Uncertain significance. Last evaluated: 2023-11-17. Review status: criteria provided, single submitter. Criteria: Invitae Variant Classification Sherloc (09022015). Collection method: clinical testing. Allele origin: germline.
Comment: This sequence change replaces lysine, which is basic and polar, with arginine, which is basic and polar, at codon 216 of the DPF2 protein (p.Lys216Arg). This variant is not present in population databases (gnomAD no frequency). This variant has not been reported in the literature in individuals affected with DPF2-related conditions. An algorithm developed to predict the effect of missense changes on protein structure and function (PolyPhen-2) suggests that this variant is likely to be tolerated. In summary, the available evidence is currently insufficient to determine the role of this variant in disease. Therefore, it has been classified as a Variant of Uncertain Significance.